The following is an entry in ClinVar:

ClinVar aggregate classification (germline): Uncertain significance. Review status: criteria provided, multiple submitters, no conflicts (2 of 4 stars). 2 submissions from 2 submitters: Uncertain significance (2). Last evaluated 2025-06-09.

Conditions:
Mitochondrial complex II deficiency, nuclear type 1. Also called: SUCCINATE CoQ REDUCTASE DEFICIENCY. Identifiers: Orphanet 3208, MedGen C5700310, MONDO:0100294, OMIM 252011.
Pheochromocytoma/paraganglioma syndrome 5. Also called: Paragangliomas 5; SDHA-Related Hereditary Paraganglioma-Pheochromocytoma Syndrome. Identifiers: Orphanet 29072, MedGen C3279992, MONDO:0013602, OMIM 614165.
Hereditary cancer-predisposing syndrome. Also called: Hereditary Cancer Syndrome; Hereditary neoplastic syndrome; Neoplastic Syndromes, Hereditary; Tumor predisposition. Identifiers: Orphanet 140162, MedGen C0027672, MeSH D009386, MONDO:0015356.

Allele frequency attached by ClinVar (database versions not stated): gnomAD exomes below 0.00001.
gnomAD v4.1: 3 of 1,613,960 alleles (0.00019%); highest among the groups gnomAD compares: Non-Finnish European, 0.00025%; no homozygotes.

Submissions (2):

Ambry Genetics
Classification: Uncertain significance for Hereditary cancer-predisposing syndrome. Last evaluated: 2025-06-09. Review status: criteria provided, single submitter. Criteria: Ambry Variant Classification Scheme 2023. Collection method: clinical testing. Allele origin: germline.
Comment: The p.D289E variant (also known as c.867C>G), located in coding exon 7 of the SDHA gene, results from a C to G substitution at nucleotide position 867. The aspartic acid at codon 289 is replaced by glutamic acid, an amino acid with highly similar properties. This amino acid position is highly conserved in available vertebrate species. In addition, this alteration is predicted to be deleterious by in silico analysis. Based on the available evidence, the clinical significance of this variant remains unclear.

Labcorp Genetics (formerly Invitae), Labcorp
Classification: Uncertain significance for Pheochromocytoma/paraganglioma syndrome 5; Mitochondrial complex II deficiency, nuclear type 1. Last evaluated: 2022-05-09. Review status: criteria provided, single submitter. Criteria: Invitae Variant Classification Sherloc (09022015). Collection method: clinical testing. Allele origin: germline.
Comment: Algorithms developed to predict the effect of missense changes on protein structure and function (SIFT, PolyPhen-2, Align-GVGD) all suggest that this variant is likely to be disruptive. In summary, the available evidence is currently insufficient to determine the role of this variant in disease. Therefore, it has been classified as a Variant of Uncertain Significance. This variant has not been reported in the literature in individuals affected with SDHA-related conditions. This variant is not present in population databases (gnomAD no frequency). This sequence change replaces aspartic acid, which is acidic and polar, with glutamic acid, which is acidic and polar, at codon 289 of the SDHA protein (p.Asp289Glu).

NM_004168.4(SDHA):c.867C>G (p.Asp289Glu)

Gene: SDHA (succinate dehydrogenase complex flavoprotein subunit A; plus strand). Cytogenetic location: 5p15.33.
Variant type: single nucleotide variant.
Coding change: c.867C>G on transcript NM_004168.4 (MANE Select); coding-DNA position 867, C replaced by G.
Protein change: p.Asp289Glu; replaces aspartic acid 289 with glutamic acid.
Molecular consequence: missense variant.
Genome position (GRCh38, 1-based): chr5:230,972, C>G. VCF-style: chr5-230972-C-G. GRCh37 (hg19) VCF-style: chr5-231087-C-G.
Other names: c.723C>G, p.Asp241Glu (NM_001294332.2); c.867C>G, p.Asp289Glu (NM_001330758.2); short protein forms D241E, D289E.
Identifiers: ClinVar variation 1764264 (VCV001764264.8), dbSNP rs2477333248, ClinGen allele CA359011955.
Genomic context (GRCh38, chr5:230,972, plus strand): 5'-CCACACCAGCACTGGCGACGGCACGGCCATGATCACCAGGGCAGGCCTTCCTTGCCAGGA[C>G]CTAGAGTTTGTTCAGTTCCACCCTACAGGTAGGGCAGGACGCCTTGCCCGGCAGGTGTTT-3'
Protein context (NP_004159.2, residues 279-299): MITRAGLPCQ[Asp289Glu]LEFVQFHPTG